The following is an entry in ClinVar:

ClinVar aggregate classification (germline): Conflicting classifications of pathogenicity. Review status: criteria provided, conflicting classifications (1 of 4 stars). 10 submissions from 10 submitters: Uncertain significance (7); Likely benign (1). 2 of the submissions do not count toward it. Last evaluated 2025-11-23.

Conditions:
Hereditary cancer-predisposing syndrome. Also called: Tumor predisposition; Hereditary Cancer Syndrome; Neoplastic Syndromes, Hereditary; Hereditary neoplastic syndrome. Identifiers: Orphanet 140162, MedGen C0027672, MeSH D009386, MONDO:0015356.
Hereditary breast ovarian cancer syndrome. Also called: Breast and ovarian cancer; Hereditary breast and ovarian cancer; Hereditary breast and ovarian cancer syndrome; BRCA1- and BRCA2-Associated Hereditary Breast and Ovarian Cancer; Hereditary breast and ovarian cancer syndrome (HBOC); Hereditary breast and/or ovarian cancer syndrome. Identifiers: Orphanet 145, MedGen C0677776, MeSH D061325, MONDO:0003582. Disease mechanism: loss of function.
Breast-ovarian cancer, familial, susceptibility to, 2 (BROVCA2). Also called: BRCA2 Hereditary Breast and Ovarian Cancer. Identifiers: Orphanet 145, MedGen C2675520, MONDO:0012933, OMIM 612555. Disease mechanism: loss of function.
Familial cancer of breast. Also called: BREAST CANCER, FAMILIAL; hereditary breast carcinoma; Hereditary breast cancer. Identifiers: Orphanet 227535, MedGen C0346153, MONDO:0016419, OMIM 114480. Disease mechanism: loss of function.

Allele frequency attached by ClinVar (database versions not stated): gnomAD 0.00001; TOPMed 0.00001; ExAC 0.00002.
gnomAD v4.1: 3 of 1,613,018 alleles (0.00019%); highest among the groups gnomAD compares: Admixed American, 0.005%; no homozygotes.

Submissions (10):

Labcorp Genetics (formerly Invitae), Labcorp
Classification: Likely benign for Hereditary breast ovarian cancer syndrome. Last evaluated: 2025-11-23. Review status: criteria provided, single submitter. Criteria: Invitae Variant Classification Sherloc (09022015). Collection method: clinical testing. Allele origin: germline.

Color Diagnostics, LLC DBA Color Health
Classification: Uncertain significance for Hereditary cancer-predisposing syndrome. Last evaluated: 2025-07-30. Review status: criteria provided, single submitter. Criteria: ACMG Guidelines, 2015. Collection method: clinical testing. Allele origin: germline.
Comment: This missense variant replaces serine with phenylalanine at codon 2546 of the BRCA2 protein. Computational prediction is inconclusive regarding the impact of this variant on protein structure and function. Functional studies have reported that this variant does not impact BRCA2 in a haploid cell proliferation assay and in sensitivity assays to cisplatin and PARP inhibitor (PMID: 39779848, 39779857). A multifactorial analysis has reached a combined likelihood ratio (LR) of 1.173 based on reported LR for co-occurrence with a pathogenic variant and personal and family history for 2 carriers (PMID: 31853058). This variant has been identified in 2/250942 chromosomes in the general population by the Genome Aggregation Database (gnomAD). The available evidence is insufficient to determine the role of this variant in disease conclusively. Therefore, this variant is classified as a Variant of Uncertain Significance.

Quest Diagnostics Nichols Institute San Juan Capistrano
Classification: Uncertain significance. Last evaluated: 2025-04-23. Review status: criteria provided, single submitter. Criteria: Quest Diagnostics criteria. Collection method: clinical testing. Allele origin: unknown.
Comment: The BRCA2 c.7637C>T (p.Ser2546Phe) variant has been reported in the published literature in individuals undergoing hereditary cancer testing (PMID: 31853058 (2020)). The frequency of this variant in the general population (Genome Aggregation Database) is uninformative in the assessment of its pathogenicity. Analysis of this variant using bioinformatics tools for the prediction of the effect of amino acid changes on protein structure and function yielded conflicting predictions that this variant is benign or damaging. Based on the available information, we are unable to determine the clinical significance of this variant.

Ambry Genetics
Classification: Uncertain significance for Hereditary cancer-predisposing syndrome. Last evaluated: 2024-09-27. Review status: criteria provided, single submitter. Criteria: Ambry Variant Classification Scheme 2023. Collection method: clinical testing. Allele origin: germline.
Comment: The p.S2546F variant (also known as c.7637C>T), located in coding exon 15 of the BRCA2 gene, results from a C to T substitution at nucleotide position 7637. The serine at codon 2546 is replaced by phenylalanine, an amino acid with highly dissimilar properties. This amino acid position is not well conserved in available vertebrate species. In addition, the in silico prediction for this alteration is inconclusive. Since supporting evidence is limited at this time, the clinical significance of this alteration remains unclear.

Baylor Genetics
Classification: Uncertain significance for Familial cancer of breast. Last evaluated: 2024-03-28. Review status: criteria provided, single submitter. Criteria: ACMG Guidelines, 2015. Collection method: clinical testing. Allele origin: unknown.

All of Us Research Program, National Institutes of Health
Classification: Uncertain significance for Breast-ovarian cancer, familial, susceptibility to, 2. Last evaluated: 2023-12-13. Review status: criteria provided, single submitter. Criteria: ACMG Guidelines, 2015. Collection method: clinical testing. Allele origin: germline. Inheritance: Autosomal dominant inheritance. Observed: 3 variant alleles, 3 heterozygotes.
Comment: This missense variant replaces serine with phenylalanine at codon 2546 of the BRCA2 protein. Computational prediction is inconclusive regarding the impact of this variant on protein structure and function (internally defined REVEL score threshold 0.5 < inconclusive < 0.7, PMID: 27666373). To our knowledge, functional studies have not been reported for this variant. This variant has not been reported in individuals affected with BRCA2-related disorders in the literature. This variant has been identified in 2/250942 chromosomes in the general population by the Genome Aggregation Database (gnomAD). The available evidence is insufficient to determine the role of this variant in disease conclusively. Therefore, this variant is classified as a Variant of Uncertain Significance.

This study involves interpretation of variants in research participants for the purpose of population health screening. Participant phenotype was not available at the time of variant classification. Additional details can be found in publication PMID: 35346344, PMCID: PMC8962531

GeneDx
Classification: Uncertain significance. Last evaluated: 2018-12-13. Review status: criteria provided, single submitter. Criteria: GeneDx Variant Classification (06012015). Collection method: clinical testing. Allele origin: germline. Affected: yes.
Comment: This variant is denoted BRCA2 c.7637C>T at the cDNA level, p.Ser2546Phe (S2546F) at the protein level, and results in the change of a Serine to a Phenylalanine (TCT>TTT). Using alternate nomenclature, this variant would be defined as BRCA2 7865C>T. This variant has not, to our knowledge, been published in the literature as pathogenic or benign. BRCA2 Ser2546Phe was not observed at a significant allele frequency in large population cohorts (Lek 2016). This variant is located in the DNA binding domain (Yang 2002). In silico analysis, which includes protein predictors and evolutionary conservation, supports that this variant does not alter protein structure/function. Based on currently available evidence, it is unclear whether BRCA2 Ser2546Phe is a pathogenic or benign variant. We consider it to be a variant of uncertain significance.

Women's Health and Genetics/Laboratory Corporation of America, LabCorp
Classification: Uncertain significance. Last evaluated: 2018-09-10. Review status: criteria provided, single submitter. Criteria: LabCorp Variant Classification Summary - May 2015. Collection method: clinical testing. Allele origin: germline.
Comment: Variant summary: BRCA2 c.7637C>T (p.Ser2546Phe) results in a non-conservative amino acid change located in the helical domain (IPR015252) that belongs to the DNA-binding domain of the encoded protein. Four of five in-silico tools predict a damaging effect of the variant on protein function. The variant allele was found at a frequency of 4.1e-06 in 245842 control chromosomes (gnomAD). The available data on variant occurrences in the general population are insufficient to allow any conclusion about variant significance. To our knowledge, no occurrence of c.7637C>T in individuals affected with Hereditary Breast and Ovarian Cancer and no experimental evidence demonstrating its impact on protein function have been reported. Four clinical diagnostic laboratories have submitted clinical-significance assessments for this variant to ClinVar after 2014 without evidence for independent evaluation. All laboratories classified the variant as uncertain significance. Based on the evidence outlined above, the variant was classified as uncertain significance.

Counsyl
Classification: Uncertain significance for Breast-ovarian cancer, familial, susceptibility to, 2. Last evaluated: 2017-02-23. Review status: no assertion criteria provided. Collection method: clinical testing. Allele origin: unknown. Not counted in ClinVar's aggregate classification.

Sharing Clinical Reports Project (SCRP)
Classification: Likely benign for Breast-ovarian cancer, familial 2. Last evaluated: 2011-07-27. Review status: no assertion criteria provided. Collection method: clinical testing. Allele origin: germline. Not counted in ClinVar's aggregate classification.

Literature cited by the submitters: PubMed 31853058 (cited by Color Diagnostics, LLC DBA Color Health and Quest Diagnostics Nichols Institute San Juan Capistrano); PubMed 39779848 (cited by Color Diagnostics, LLC DBA Color Health); PubMed 39779857 (cited by Color Diagnostics, LLC DBA Color Health).

NM_000059.4(BRCA2):c.7637C>T (p.Ser2546Phe)

Gene: BRCA2 (BRCA2 DNA repair associated; plus strand). Cytogenetic location: 13q13.1.
Variant type: single nucleotide variant.
Coding change: c.7637C>T on transcript NM_000059.4 (MANE Select); coding-DNA position 7637, C replaced by T.
Protein change: p.Ser2546Phe; replaces serine 2546 with phenylalanine.
Molecular consequence: missense variant.
Genome position (GRCh38, 1-based): chr13:32,357,761, C>T. VCF-style: chr13-32357761-C-T. GRCh37 (hg19) VCF-style: chr13-32931898-C-T.
Other names: 7865C>T; short protein forms S2546F.
Identifiers: ClinVar variation 91486 (VCV000091486.32), dbSNP rs398122586, ClinGen allele CA025205.